The following is an entry in ClinVar:

ClinVar aggregate classification (germline): Uncertain significance (1 of 4 stars; one submission).

Submission:

CeGaT Center for Human Genetics Tuebingen
Classification: Uncertain significance. Last evaluated: 2026-09-01. Review status: criteria provided, single submitter. Criteria: CeGaT Center For Human Genetics Tuebingen Variant Classification Criteria Version 2. Collection method: clinical testing. Allele origin: germline. Affected: yes. Observed: 1 variant allele.
Comment: ANKRD11: PM2, BP4

NM_013275.6(ANKRD11):c.2299A>G (p.Lys767Glu)

Gene: ANKRD11 (ankyrin repeat domain 11; minus strand). Cytogenetic location: 16q24.3.
Variant type: single nucleotide variant.
Coding change: c.2299A>G on transcript NM_013275.6 (MANE Select); coding-DNA position 2299, A replaced by G.
Protein change: p.Lys767Glu; replaces lysine 767 with glutamic acid.
Molecular consequence: missense variant.
Genome position (GRCh38, 1-based): chr16:89,284,243, T>C on the plus strand (A>G on the coding strand, the complement: ANKRD11 is on the minus strand). VCF-style: chr16-89284243-T-C. GRCh37 (hg19) VCF-style: chr16-89350651-T-C.
Other names: c.2299A>G, p.Lys767Glu (NM_001256182.2, NM_001256183.2); short protein forms K767E.
Identifiers: ClinVar variation 5041736 (VCV005041736.1).
Genomic context (GRCh38, chr16:89,284,243, plus strand): 5'-TTTTGTCCTCTTTTAAATCATTCTTCTTCTCTAATTTTGAGGGCCGGTCTTTTGATTTCT[T>C]CTTTCTCTCCTCTTTGTACAGTCTCAGTTTTTCTTCTTTCGGAGACTTTTCCTTCAGCGA-3'
Protein context (NP_037407.4, residues 757-777): KLRLYKEERK[Lys767Glu]KSKDRPSKLE